The following is an entry in ClinVar:

ClinVar aggregate classification (germline): Uncertain significance (1 of 4 stars; one submission).

Conditions:
Nephrolithiasis/nephrocalcinosis. Identifiers: MedGen CN580796.

Submission:

Ambry Genetics
Classification: Uncertain significance for Nephrolithiasis/nephrocalcinosis. Last evaluated: 2024-03-08. Review status: criteria provided, single submitter. Criteria: Ambry Variant Classification Scheme 2023. Collection method: clinical testing. Allele origin: germline.
Comment: The p.T152R variant (also known as c.455C>G), located in coding exon 5 of the GRHPR gene, results from a C to G substitution at nucleotide position 455. The threonine at codon 152 is replaced by arginine, an amino acid with similar properties. This amino acid position is conserved. In addition, this alteration is predicted to be tolerated by in silico analysis. Based on the available evidence, the clinical significance of this alteration remains unclear.

NM_012203.2(GRHPR):c.455C>G (p.Thr152Arg)

Gene: GRHPR (glyoxylate and hydroxypyruvate reductase; plus strand). Cytogenetic location: 9p13.2.
Variant type: single nucleotide variant.
Coding change: c.455C>G on transcript NM_012203.2 (MANE Select); coding-DNA position 455, C replaced by G.
Protein change: p.Thr152Arg; replaces threonine 152 with arginine.
Molecular consequence: missense variant.
Genome position (GRCh38, 1-based): chr9:37,428,534, C>G. VCF-style: chr9-37428534-C-G. GRCh37 (hg19) VCF-style: chr9-37428531-C-G.
Other names: short protein forms T152R.
Identifiers: ClinVar variation 3226217 (VCV003226217.1), dbSNP rs747664983, ClinGen allele CA5059057.
Genomic context (GRCh38, chr9:37,428,534, plus strand): 5'-CTCCCCTCAGTGGTGGCTGGACCTCGTGGAAGCCCCTCTGGCTGTGTGGCTATGGACTCA[C>G]GCAGAGCACTGTCGGCATCATCGGGCTGGGGCGCATAGGTGAGGCTCCCACCGGCCCGCT-3'
Protein context (NP_036335.1, residues 142-162): KPLWLCGYGL[Thr152Arg]QSTVGIIGLG